The following is an entry in ClinVar:

NM_182918.4(ERG):c.291A>G (p.Pro97=)

Gene: ERG (ETS transcription factor ERG; minus strand). Cytogenetic location: 21q22.2.
Variant type: single nucleotide variant.
Coding change: c.291A>G on transcript NM_182918.4 (MANE Select); coding-DNA position 291, A replaced by G.
Protein change: p.Pro97=; no amino-acid change (proline 97 retained).
Molecular consequence: synonymous variant.
Genome position (GRCh38, 1-based): chr21:38,423,507, T>C on the plus strand (A>G on the coding strand, the complement: ERG is on the minus strand). VCF-style: chr21-38423507-T-C. GRCh37 (hg19) VCF-style: chr21-39795429-T-C.
Other names: c.312A>G, p.Pro104= (NM_001136154.1, NM_001243428.1, NM_001243432.2 and 2 more transcripts); c.15A>G, p.Pro5= (NM_001136155.1, NM_001243429.1); c.291A>G, p.Pro97= (NM_001331025.2).
Identifiers: ClinVar variation 4872306 (VCV004872306.2).
Genomic context (GRCh38, chr21:38,423,507, plus strand): 5'-GTTTGGGGGTGGCATGTGCTTCTCCTCCATGTAGCTGCCGTAGTTCATCCCAACGGTGTC[T>C]GGGCTGCCCACCATCTTCCCGCCTTTGGCCACACTGCATTCATCAGGAGAGTTCCTGGAG-3'
Protein context (NP_891548.1, residues 87-107): VAKGGKMVGS[Pro97=]DTVGMNYGSY

ClinVar aggregate classification (germline): Likely benign (1 of 4 stars; one submission).

Submission:

CeGaT Center for Human Genetics Tuebingen
Classification: Likely benign. Last evaluated: 2026-05-01. Review status: criteria provided, single submitter. Criteria: CeGaT Center For Human Genetics Tuebingen Variant Classification Criteria Version 2. Collection method: clinical testing. Allele origin: germline. Affected: yes. Observed: 1 variant allele.
Comment: ERG: PM2:Supporting, BP4, BP7